The following is an entry in ClinVar:

ClinVar aggregate classification (germline): Uncertain significance. Review status: criteria provided, multiple submitters, no conflicts (2 of 4 stars). 2 submissions from 2 submitters: Uncertain significance (2). Last evaluated 2024-10-09.

Conditions:
Hypertrophic cardiomyopathy 19. Also called: Familial hypertrophic cardiomyopathy 19. Identifiers: MedGen CN077603, MONDO:0013476.

Allele frequency attached by ClinVar (database versions not stated): ExAC 0.00001; TOPMed 0.00001; ESP Exome Variant Server 0.00008.

Submissions (2):

Ambry Genetics
Classification: Uncertain significance. Last evaluated: 2024-10-09. Review status: criteria provided, single submitter. Criteria: Ambry Variant Classification Scheme 2023. Collection method: clinical testing. Allele origin: germline.

Labcorp Genetics (formerly Invitae), Labcorp
Classification: Uncertain significance for Hypertrophic cardiomyopathy 19. Last evaluated: 2022-01-15. Review status: criteria provided, single submitter. Criteria: Invitae Variant Classification Sherloc (09022015). Collection method: clinical testing. Allele origin: germline.
Comment: Algorithms developed to predict the effect of missense changes on protein structure and function output the following: SIFT: "Tolerated"; PolyPhen-2: "Benign"; Align-GVGD: "Class C0". The alanine amino acid residue is found in multiple mammalian species, which suggests that this missense change does not adversely affect protein function. This sequence change replaces threonine, which is neutral and polar, with alanine, which is neutral and non-polar, at codon 173 of the CALR3 protein (p.Thr173Ala). This variant is not present in population databases (gnomAD no frequency). This variant has not been reported in the literature in individuals affected with CALR3-related conditions. In summary, the available evidence is currently insufficient to determine the role of this variant in disease. Therefore, it has been classified as a Variant of Uncertain Significance.

NM_145046.5(CALR3):c.517A>G (p.Thr173Ala)

Gene: CALR3 (calreticulin 3; minus strand). Cytogenetic location: 19p13.11.
Variant type: single nucleotide variant.
Coding change: c.517A>G on transcript NM_145046.5 (MANE Select); coding-DNA position 517, A replaced by G.
Protein change: p.Thr173Ala; replaces threonine 173 with alanine.
Molecular consequence: missense variant.
Genome position (GRCh38, 1-based): chr19:16,484,091, T>C on the plus strand (A>G on the coding strand, the complement: CALR3 is on the minus strand). VCF-style: chr19-16484091-T-C. GRCh37 (hg19) VCF-style: chr19-16594902-T-C.
Other names: c.517A>G (NM_145046.3); short protein forms T173A.
Identifiers: ClinVar variation 1898275 (VCV001898275.6), dbSNP rs374187284, ClinGen allele CA9278353.